The following is an entry in ClinVar:

NM_004281.4(BAG3):c.482A>G (p.Gln161Arg)

Gene: BAG3 (BAG cochaperone 3; plus strand). Cytogenetic location: 10q26.11.
Variant type: single nucleotide variant.
Coding change: c.482A>G on transcript NM_004281.4 (MANE Select); coding-DNA position 482, A replaced by G.
Protein change: p.Gln161Arg; replaces glutamine 161 with arginine.
Molecular consequence: missense variant.
Genome position (GRCh38, 1-based): chr10:119,670,152, A>G. VCF-style: chr10-119670152-A-G. GRCh37 (hg19) VCF-style: chr10-121429664-A-G.
Other names: short protein forms Q161R.
Identifiers: ClinVar variation 2439470 (VCV002439470.4), dbSNP rs1338639352, ClinGen allele CA378295176.

ClinVar aggregate classification (germline): Uncertain significance. Review status: criteria provided, multiple submitters, no conflicts (2 of 4 stars). 2 submissions from 2 submitters: Uncertain significance (2). Last evaluated 2025-07-03.

Conditions:
Myofibrillar myopathy 6. Identifiers: Orphanet 199340, MedGen C2751831, MONDO:0013061, OMIM 612954.
Dilated cardiomyopathy 1HH (CMD1HH). Identifiers: Orphanet 154, MedGen C3151293, MONDO:0013479, OMIM 613881.

Allele frequency attached by ClinVar (database versions not stated): gnomAD exomes 0.00001.

Submissions (2):

Labcorp Genetics (formerly Invitae), Labcorp
Classification: Uncertain significance for Dilated cardiomyopathy 1HH; Myofibrillar myopathy 6. Last evaluated: 2025-07-03. Review status: criteria provided, single submitter. Criteria: Invitae Variant Classification Sherloc (09022015). Collection method: clinical testing. Allele origin: germline.
Comment: This sequence change replaces glutamine, which is neutral and polar, with arginine, which is basic and polar, at codon 161 of the BAG3 protein (p.Gln161Arg). This variant is present in population databases (no rsID available, gnomAD 0.007%). This variant has not been reported in the literature in individuals affected with BAG3-related conditions. ClinVar contains an entry for this variant (Variation ID: 2439470). Invitae Evidence Modeling of protein sequence and biophysical properties (such as structural, functional, and spatial information, amino acid conservation, physicochemical variation, residue mobility, and thermodynamic stability) indicates that this missense variant is not expected to disrupt BAG3 protein function with a negative predictive value of 80%. In summary, the available evidence is currently insufficient to determine the role of this variant in disease. Therefore, it has been classified as a Variant of Uncertain Significance.

Revvity Omics, Revvity
Classification: Uncertain significance. Last evaluated: 2022-04-14. Review status: criteria provided, single submitter. Criteria: ACMG Guidelines, 2015. Collection method: clinical testing. Allele origin: germline.